The following is an entry in ClinVar:

NM_005535.3(IL12RB1):c.128C>T (p.Ser43Leu)

Gene: IL12RB1 (interleukin 12 receptor subunit beta 1; minus strand). Cytogenetic location: 19p13.11.
Variant type: single nucleotide variant.
Coding change: c.128C>T on transcript NM_005535.3 (MANE Select); coding-DNA position 128, C replaced by T.
Protein change: p.Ser43Leu; replaces serine 43 with leucine.
Molecular consequence: missense variant.
Genome position (GRCh38, 1-based): chr19:18,082,261, G>A on the plus strand (C>T on the coding strand, the complement: IL12RB1 is on the minus strand). VCF-style: chr19-18082261-G-A. GRCh37 (hg19) VCF-style: chr19-18193071-G-A.
Other names: c.128C>T, p.Ser43Leu (NM_001290023.2, NM_153701.3); c.248C>T, p.Ser83Leu (NM_001290024.2); short protein forms S83L, S43L.
Identifiers: ClinVar variation 1362276 (VCV001362276.6), dbSNP rs189309495, ClinGen allele CA9305329.

ClinVar aggregate classification (germline): Uncertain significance. Review status: criteria provided, multiple submitters, no conflicts (2 of 4 stars). 2 submissions from 2 submitters: Uncertain significance (2). Last evaluated 2024-11-05.

Conditions:
Mendelian susceptibility to mycobacterial diseases due to complete IL12RB1 deficiency. Also called: IL12RB1 DEFICIENCY; Immunodeficiency 30. Identifiers: Orphanet 319552, MedGen C4013949, MONDO:0013955, OMIM 614891.

Allele frequency attached by ClinVar (database versions not stated): 1000 Genomes Project 30x 0.00031; gnomAD exomes 0.00005 and 0.00003; 1000 Genomes Project 0.00020; gnomAD 0.00007 and 0.00009; TOPMed 0.00011; ExAC 0.00007.
gnomAD v4.1: 55 of 1,587,336 alleles (0.0035%); highest among the groups gnomAD compares: African/African-American, 0.028%; no homozygotes.

Submissions (2):

Labcorp Genetics (formerly Invitae), Labcorp
Classification: Uncertain significance for Mendelian susceptibility to mycobacterial diseases due to complete IL12RB1 deficiency. Last evaluated: 2024-11-05. Review status: criteria provided, single submitter. Criteria: Invitae Variant Classification Sherloc (09022015). Collection method: clinical testing. Allele origin: germline.
Comment: This sequence change replaces serine, which is neutral and polar, with leucine, which is neutral and non-polar, at codon 43 of the IL12RB1 protein (p.Ser43Leu). This variant is present in population databases (rs189309495, gnomAD 0.03%). This variant has not been reported in the literature in individuals affected with IL12RB1-related conditions. ClinVar contains an entry for this variant (Variation ID: 1362276). An algorithm developed to predict the effect of missense changes on protein structure and function outputs the following: PolyPhen-2: "Benign". The leucine amino acid residue is found in multiple mammalian species, which suggests that this missense change does not adversely affect protein function. In summary, the available evidence is currently insufficient to determine the role of this variant in disease. Therefore, it has been classified as a Variant of Uncertain Significance.

Women's Health and Genetics/Laboratory Corporation of America, LabCorp
Classification: Uncertain significance. Last evaluated: 2024-01-09. Review status: criteria provided, single submitter. Criteria: LabCorp Variant Classification Summary - May 2015. Collection method: clinical testing. Allele origin: germline.
Comment: Variant summary: IL12RB1 c.128C>T (p.Ser43Leu) results in a non-conservative amino acid change in the encoded protein sequence. Three of five in-silico tools predict a benign effect of the variant on protein function. The variant allele was found at a frequency of 5.4e-05 in 241260 control chromosomes. To our knowledge, no occurrence of c.128C>T in individuals affected with Mendelian Susceptibility To Mycobacterial Diseases Due To Complete IL12RB1 Deficiency and no experimental evidence demonstrating its impact on protein function have been reported. ClinVar contains an entry for this variant (Variation ID: 1362276, VUS). Based on the evidence outlined above, the variant was classified as uncertain significance.